The following is an entry in ClinVar:

ClinVar aggregate classification (germline): Uncertain significance (1 of 4 stars; one submission).

gnomAD v4.1: 2 of 1,202,814 alleles (0.00017%); highest among the groups gnomAD compares: South Asian, 0.0018%; no homozygotes.

Submission:

GeneDx
Classification: Uncertain significance. Last evaluated: 2022-01-11. Review status: criteria provided, single submitter. Criteria: GeneDx Variant Classification Process June 2021. Collection method: clinical testing. Allele origin: germline. Affected: yes.
Comment: Not observed at significant frequency in large population cohorts (gnomAD); In silico analysis supports that this missense variant does not alter protein structure/function; Has not been previously published as pathogenic or benign to our knowledge

NM_001081550.2(THOC2):c.908T>C (p.Ile303Thr)

Gene: THOC2 (THO complex subunit 2; minus strand). Cytogenetic location: Xq25.
Variant type: single nucleotide variant.
Coding change: c.908T>C on transcript NM_001081550.2 (MANE Select); coding-DNA position 908, T replaced by C.
Protein change: p.Ile303Thr; replaces isoleucine 303 with threonine.
Molecular consequence: missense variant.
Genome position (GRCh38, 1-based): chrX:123,668,268, A>G on the plus strand (T>C on the coding strand, the complement: THOC2 is on the minus strand). VCF-style: chrX-123668268-A-G. GRCh37 (hg19) VCF-style: chrX-122802119-A-G.
Other names: short protein forms I303T.
Identifiers: ClinVar variation 1695657 (VCV001695657.2), dbSNP rs2147807063, ClinGen allele CA414271103.